The following is an entry in ClinVar:

NM_007363.5(NONO):c.550C>T (p.Arg184Ter)

Gene: NONO (non-POU domain containing octamer binding; plus strand). Cytogenetic location: Xq13.1.
Variant type: single nucleotide variant.
Coding change: c.550C>T on transcript NM_007363.5 (MANE Select); coding-DNA position 550, C replaced by T.
Protein change: p.Arg184Ter; replaces arginine 184 with a stop codon.
Molecular consequence: nonsense.
Genome position (GRCh38, 1-based): chrX:71,294,428, C>T. VCF-style: chrX-71294428-C-T. GRCh37 (hg19) VCF-style: chrX-70514278-C-T.
Other names: c.550C>T, p.Arg184Ter (NM_001145408.2, NM_001145409.2); c.283C>T, p.Arg95Ter (NM_001145410.2); short protein forms R184*, R95*.
Identifiers: ClinVar variation 691621 (VCV000691621.9), dbSNP rs1602387702, ClinGen allele CA413541939.

ClinVar aggregate classification (germline): Pathogenic/Likely pathogenic. Review status: criteria provided, multiple submitters, no conflicts (2 of 4 stars). 5 submissions from 5 submitters: Pathogenic (3); Likely pathogenic (1). 1 of the submissions does not count toward it. Last evaluated 2024-11-25.

Conditions:
Inborn genetic diseases. Identifiers: MedGen C0950123, MeSH D030342.
Intellectual developmental disorder, X-linked, syndromic 34. Also called: Syndromic X-linked intellectual disability 34; MENTAL RETARDATION, X-LINKED, SYNDROMIC, MIRCSOF-LANGOUET TYPE. Identifiers: Orphanet 466791, MedGen C4225417, MONDO:0010501, OMIM 300967.

Submissions (5):

3billion
Classification: Pathogenic for Intellectual developmental disorder, X-linked, syndromic 34. Last evaluated: 2024-11-25. Review status: criteria provided, single submitter. Criteria: ACMG Guidelines, 2015. Collection method: clinical testing. Allele origin: germline. Affected: yes.
Comment: The variant is not observed in the gnomAD v4.1.0 dataset. Predicted Consequence/Location: Stop-gained (nonsense): predicted to result in a loss or disruption of normal protein function through nonsense-mediated decay (NMD) or protein truncation. Multiple pathogenic variants are reported downstream of the variant. The variant has been reported at least twice as pathogenic without evidence for the classification (ClinVar ID: VCV000691621 /PMID: 31883306). Therefore, this variant is classified as Pathogenic according to the recommendation of ACMG/AMP guideline.

GeneDx
Classification: Pathogenic. Last evaluated: 2023-05-04. Review status: criteria provided, single submitter. Criteria: GeneDx Variant Classification Process June 2021. Collection method: clinical testing. Allele origin: germline. Affected: yes.
Comment: Nonsense variant predicted to result in protein truncation or nonsense mediated decay in a gene for which loss of function is a known mechanism of disease; Not observed at significant frequency in large population cohorts (gnomAD); This variant is associated with the following publications: (PMID: 31883306)

Ambry Genetics
Classification: Pathogenic for Inborn genetic diseases. Last evaluated: 2017-12-19. Review status: criteria provided, single submitter. Criteria: Ambry exome assertion method (8-5-2015). Collection method: clinical testing. Allele origin: germline. Affected: yes. Observed: 1 variant allele.

Juno Genomics, Hangzhou Juno Genomics, Inc
Classification: Likely pathogenic for Intellectual developmental disorder, X-linked, syndromic 34. Review status: criteria provided, single submitter. Criteria: ACMG Guidelines, 2015. Collection method: clinical testing. Allele origin: germline. Affected: yes.
Comment: Absent from controls (or at extremely low frequency if recessive) in Genome Aggregation Database.;Null variant in a gene where loss of function (LOF) is a known mechanism of disease.

Daryl Scott Lab, Baylor College of Medicine
Classification: Pathogenic for Intellectual developmental disorder, X-linked, syndromic 34. Last evaluated: 2019-09-16. Review status: no assertion criteria provided. Collection method: clinical testing. Allele origin: maternal. Inheritance: X-linked inheritance. Affected: yes. Observed: 1 hemizygote. Not counted in ClinVar's aggregate classification.

Literature cited by the submitters: PubMed 31883306 (cited by 3billion).